The following is an entry in ClinVar:

NM_001063.4(TF):c.432C>T (p.Ser144=)

Gene: TF (transferrin; plus strand). Cytogenetic location: 3q22.1.
Variant type: single nucleotide variant.
Coding change: c.432C>T on transcript NM_001063.4 (MANE Select); coding-DNA position 432, C replaced by T.
Protein change: p.Ser144=; no amino-acid change (serine 144 retained).
Molecular consequence: synonymous variant.
Genome position (GRCh38, 1-based): chr3:133,754,601, C>T. VCF-style: chr3-133754601-C-T. GRCh37 (hg19) VCF-style: chr3-133473445-C-T.
Other names: c.300C>T, p.Ser100= (NM_001354703.2); c.51C>T, p.Ser17= (NM_001354704.2).
Identifiers: ClinVar variation 343432 (VCV000343432.17), dbSNP rs41298987, ClinGen allele CA2624971.
Genomic context (GRCh38, chr3:133,754,601, plus strand): 5'-TGGCTTCCAGATGAACCAGCTTCGAGGCAAGAAGTCCTGCCACACGGGTCTAGGCAGGTC[C>T]GCTGGGTGGAACATCCCCATAGGCTTACTTTACTGTGACTTACCTGAGCCACGTAAACCT-3'
Protein context (NP_001054.2, residues 134-154): KKSCHTGLGR[Ser144=]AGWNIPIGLL

ClinVar aggregate classification (germline): Benign. Review status: criteria provided, multiple submitters, no conflicts (2 of 4 stars). 4 submissions from 4 submitters: Benign (3). 1 of the submissions does not count toward it. Last evaluated 2026-01-31.

Conditions:
TF-related disorder. Also called: TF-related condition.
Atransferrinemia. Also called: Familial hypotransferrinemia. Identifiers: Orphanet 1195, MedGen C0521802, MONDO:0008846, OMIM 209300, HP:0012239.

Allele frequency attached by ClinVar (database versions not stated): gnomAD exomes 0.00253; ExAC 0.00312; gnomAD 0.00994 and 0.01050; TOPMed 0.01132; ESP Exome Variant Server 0.01161; 1000 Genomes Project 0.01278; 1000 Genomes Project 30x 0.01437.
gnomAD v4.1: 3,149 of 1,614,178 alleles (0.2%); highest among the groups gnomAD compares: African/African-American, 3.5%; 57 homozygotes.

Submissions (4):

Labcorp Genetics (formerly Invitae), Labcorp
Classification: Benign. Last evaluated: 2026-01-31. Review status: criteria provided, single submitter. Criteria: Invitae Variant Classification Sherloc (09022015). Collection method: clinical testing. Allele origin: germline.

Illumina Laboratory Services, Illumina
Classification: Benign for Atransferrinemia. Last evaluated: 2018-01-12. Review status: criteria provided, single submitter. Criteria: ICSL Variant Classification Criteria 13 December 2019. Collection method: clinical testing. Allele origin: germline.
Comment: This variant was observed in the ICSL laboratory as part of a predisposition screen in an ostensibly healthy population. It had not been previously curated by ICSL or reported in the Human Gene Mutation Database (HGMD: prior to June 1st, 2018), and was therefore a candidate for classification through an automated scoring system. Utilizing variant allele frequency, disease prevalence and penetrance estimates, and inheritance mode, an automated score was calculated to assess if this variant is too frequent to cause the disease. Based on the score and internal cut-off values, a variant classified as benign is not then subjected to further curation. The score for this variant resulted in a classification of benign for this disease.

Breakthrough Genomics
Classification: Benign. Review status: criteria provided, single submitter. Criteria: ACMG Guidelines, 2015. Collection method: not provided. Allele origin: germline. Inheritance: Autosomal recessive inheritance. Affected: yes.

PreventionGenetics, part of Exact Sciences
Classification: Likely benign for TF-related condition. Last evaluated: 2020-01-02. Review status: no assertion criteria provided. Collection method: clinical testing. Allele origin: germline. Not counted in ClinVar's aggregate classification.
Comment: This variant is classified as likely benign based on ACMG/AMP sequence variant interpretation guidelines (Richards et al. 2015 PMID: 25741868, with internal and published modifications).